The following is an entry in ClinVar:

ClinVar aggregate classification (germline): Uncertain significance (1 of 4 stars; one submission).

Conditions:
Gorlin syndrome. Also called: Basal cell nevus syndrome; Nevoid Basal Cell Carcinoma Syndrome. Identifiers: Orphanet 377, MedGen C0004779, MONDO:0007187.
Medulloblastoma (MDB). Also called: Medulloblastoma, somatic; MEDULLOBLASTOMA PREDISPOSITION SYNDROME. Identifiers: Orphanet 616, MedGen C0025149, MeSH D008527, MONDO:0007959, OMIM 155255, HP:0002885.

Submission:

Labcorp Genetics (formerly Invitae), Labcorp
Classification: Uncertain significance for Gorlin syndrome; Medulloblastoma. Last evaluated: 2021-03-02. Review status: criteria provided, single submitter. Criteria: Invitae Variant Classification Sherloc (09022015). Collection method: clinical testing. Allele origin: germline.
Comment: This sequence change falls in intron 3 of the SUFU gene. It does not directly change the encoded amino acid sequence of the SUFU protein. It affects a nucleotide within the consensus splice site of the intron. This variant is not present in population databases (ExAC no frequency). This variant has not been reported in the literature in individuals with SUFU-related conditions. Nucleotide substitutions within the consensus splice site are a relatively common cause of aberrant splicing (PMID: 17576681, 9536098). Algorithms developed to predict the effect of sequence changes on RNA splicing suggest that this variant is not likely to affect RNA splicing, but this prediction has not been confirmed by published transcriptional studies. In summary, the available evidence is currently insufficient to determine the role of this variant in disease. Therefore, it has been classified as a Variant of Uncertain Significance.

Literature cited by the submitters: PubMed 17576681; PubMed 9536098.

NM_016169.4(SUFU):c.454+6_454+8del

Gene: SUFU (SUFU negative regulator of hedgehog signaling; plus strand). Cytogenetic location: 10q24.32.
Variant type: Microsatellite.
Coding change: c.454+6_454+8del on transcript NM_016169.4 (MANE Select); bases 6 to 8 of the intron after coding-DNA position 454, 3 bases deleted (AGG; older notation c.454+6_454+8delAGG).
Molecular consequence: intron variant.
Genome position (GRCh38, 1-based): chr10:102,550,112-102,550,114, AGG deleted; deleting any 3 consecutive bases within chr10:102,550,109-102,550,114 gives the same sequence; the c. name uses the placement nearest the transcript's 3' end. VCF-style (leftmost placement, unchanged base first): chr10-102550108-TAGG-T. GRCh37 (hg19) VCF-style: chr10-104309865-TAGG-T.
Other names: c.454+6_454+8del (NM_001178133.2).
Identifiers: ClinVar variation 1514166 (VCV001514166.6), dbSNP rs2135743623, ClinGen allele CA2580616858.